The following is an entry in ClinVar:

NM_001029896.2(WDR45):c.827+12C>T

Gene: WDR45 (WD repeat domain 45; minus strand). Cytogenetic location: Xp11.23.
Variant type: single nucleotide variant.
Coding change: c.827+12C>T on transcript NM_001029896.2 (MANE Select); 12 bases into the intron after coding-DNA position 827, C replaced by T.
Molecular consequence: intron variant.
Genome position (GRCh38, 1-based): chrX:49,075,352, G>A on the plus strand (C>T on the coding strand, the complement: WDR45 is on the minus strand). VCF-style: chrX-49075352-G-A. GRCh37 (hg19) VCF-style: chrX-48933011-G-A.
Other names: c.830+12C>T (NM_007075.4).
Identifiers: ClinVar variation 515267 (VCV000515267.8), dbSNP rs781956491, ClinGen allele CA10408465.
Genomic context (GRCh38, chrX:49,075,352, plus strand): 5'-CACTGGCTAAGCCCAGGTATGGTAAATGGGCAGGGGGACAGGGACACGGTAGGGTGGGGA[G>A]GGGGTACTCACGCGGAGCGGCGGTTGAGGCGGGTATCCTTGAGAGCAAAGATATGGACAG-3'

ClinVar aggregate classification (germline): Likely benign. Review status: criteria provided, multiple submitters, no conflicts (2 of 4 stars). 2 submissions from 2 submitters: Likely benign (2). Last evaluated 2024-01-02.

Conditions:
Neurodegeneration with brain iron accumulation 5 (NBIA5). Also called: Beta-propeller protein-associated neurodegeneration; STATIC ENCEPHALOPATHY OF CHILDHOOD WITH NEURODEGENERATION IN ADULTHOOD. Identifiers: Orphanet 329284, MedGen C3550973, MONDO:0010476, OMIM 300894.

Allele frequency attached by ClinVar (database versions not stated): ExAC 0.00001; gnomAD exomes 0.00001.
gnomAD v4.1: 9 of 1,208,549 alleles (0.00074%); highest among the groups gnomAD compares: Admixed American, 0.0022%; no homozygotes.

Submissions (2):

Labcorp Genetics (formerly Invitae), Labcorp
Classification: Likely benign for Neurodegeneration with brain iron accumulation 5. Last evaluated: 2024-01-02. Review status: criteria provided, single submitter. Criteria: Invitae Variant Classification Sherloc (09022015). Collection method: clinical testing. Allele origin: germline.

GeneDx
Classification: Likely benign. Last evaluated: 2018-02-02. Review status: criteria provided, single submitter. Criteria: GeneDx Variant Classification (06012015). Collection method: clinical testing. Allele origin: germline. Affected: yes.
Comment: This variant is considered likely benign or benign based on one or more of the following criteria: it is a conservative change, it occurs at a poorly conserved position in the protein, it is predicted to be benign by multiple in silico algorithms, and/or has population frequency not consistent with disease.